The following is an entry in ClinVar:

ClinVar aggregate classification (germline): Uncertain significance (1 of 4 stars; one submission).

Conditions:
Parkinsonian-pyramidal syndrome. Also called: PALLIDOPYRAMIDAL SYNDROME; PARKINSON DISEASE 15, AUTOSOMAL RECESSIVE EARLY-ONSET; PARKINSON DISEASE 15, AUTOSOMAL RECESSIVE. Identifiers: Orphanet 171695, MedGen C1850100, MONDO:0009830, OMIM 260300.

Allele frequency attached by ClinVar (database versions not stated): ExAC 0.00001; gnomAD exomes 0.00002; gnomAD 0.00003; TOPMed 0.00003; ESP Exome Variant Server 0.00008.
gnomAD v4.1: 35 of 1,608,694 alleles (0.0022%); highest among the groups gnomAD compares: Non-Finnish European, 0.0029%; no homozygotes.

Submission:

Labcorp Genetics (formerly Invitae), Labcorp
Classification: Uncertain significance for Parkinsonian-pyramidal syndrome. Last evaluated: 2022-01-16. Review status: criteria provided, single submitter. Criteria: Invitae Variant Classification Sherloc (09022015). Collection method: clinical testing. Allele origin: germline.
Comment: This sequence change replaces isoleucine, which is neutral and non-polar, with threonine, which is neutral and polar, at codon 271 of the FBXO7 protein (p.Ile271Thr). This variant is present in population databases (rs369263505, gnomAD 0.002%). This variant has not been reported in the literature in individuals affected with FBXO7-related conditions. Algorithms developed to predict the effect of missense changes on protein structure and function (SIFT, PolyPhen-2, Align-GVGD) all suggest that this variant is likely to be tolerated. In summary, the available evidence is currently insufficient to determine the role of this variant in disease. Therefore, it has been classified as a Variant of Uncertain Significance.

NM_012179.4(FBXO7):c.812T>C (p.Ile271Thr)

Gene: FBXO7 (F-box protein 7; plus strand). Cytogenetic location: 22q12.3.
Variant type: single nucleotide variant.
Coding change: c.812T>C on transcript NM_012179.4 (MANE Select); coding-DNA position 812, T replaced by C.
Protein change: p.Ile271Thr; replaces isoleucine 271 with threonine.
Molecular consequence: missense variant.
Genome position (GRCh38, 1-based): chr22:32,487,769, T>C. VCF-style: chr22-32487769-T-C. GRCh37 (hg19) VCF-style: chr22-32883756-T-C.
Other names: c.575T>C, p.Ile192Thr (NM_001033024.2); c.470T>C, p.Ile157Thr (NM_001257990.2); short protein forms I192T, I157T, I271T.
Identifiers: ClinVar variation 2160704 (VCV002160704.1), dbSNP rs369263505, ClinGen allele CA10201539.
Genomic context (GRCh38, chr22:32,487,769, plus strand): 5'-AGAATTCTTTATCATCTTTCTTTTGTTTATTTACAGCTACACTAAAAATCAACAATGAGA[T>C]TAGAAGTGTGAAAAGATTGCAGCTGCTACCAGAATCTTTTATTTGCAAAGAGAAACTAGG-3'
Protein context (NP_036311.3, residues 261-281): VNATLKINNE[Ile271Thr]RSVKRLQLLP